The following is an entry in ClinVar:

NM_004380.3(CREBBP):c.3831C>T (p.Pro1277=)

Gene: CREBBP (CREB binding lysine acetyltransferase; minus strand). Cytogenetic location: 16p13.3.
Variant type: single nucleotide variant.
Coding change: c.3831C>T on transcript NM_004380.3 (MANE Select); coding-DNA position 3831, C replaced by T.
Protein change: p.Pro1277=; no amino-acid change (proline 1277 retained).
Molecular consequence: synonymous variant.
Genome position (GRCh38, 1-based): chr16:3,749,632, G>A on the plus strand (C>T on the coding strand, the complement: CREBBP is on the minus strand). VCF-style: chr16-3749632-G-A. GRCh37 (hg19) VCF-style: chr16-3799633-G-A.
Other names: p.Pro1277=; c.3717C>T, p.Pro1239= (NM_001079846.1).
Identifiers: ClinVar variation 588669 (VCV000588669.26), dbSNP rs141869477, ClinGen allele CA7869732.
Genomic context (GRCh38, chr16:3,749,632, plus strand): 5'-CTTTACCGATTTCAAACCAAAACTGAAAGTAAAAAAGAAATAGCTATATACTTACGGTTC[G>A]GGGTCTAAGGTATCATTTTTCTTCTTTTCAAACTGATCCTTTGAAATTGTCCTTGTTTTA-3'
Protein context (NP_004371.2, residues 1267-1287): FEKKKNDTLD[Pro1277=]EPFVDCKECG

ClinVar aggregate classification (germline): Benign/Likely benign. Review status: criteria provided, multiple submitters, no conflicts (2 of 4 stars). 8 submissions from 8 submitters: Benign (2); Likely benign (5). 1 of the submissions does not count toward it. Last evaluated 2026-06-01.

Conditions:
Inborn genetic diseases. Identifiers: MedGen C0950123, MeSH D030342.
CREBBP-related disorder. Also called: CREBBP-related disorders; CREBBP-related condition.
Rubinstein-Taybi syndrome (RSTS). Identifiers: Orphanet 783, MedGen C0035934, MONDO:0019188.

Allele frequency attached by ClinVar (database versions not stated): gnomAD exomes 0.00011 and 0.00029; ExAC 0.00041; 1000 Genomes Project 0.00060; gnomAD 0.00101 and 0.00117; 1000 Genomes Project 30x 0.00109; ESP Exome Variant Server 0.00131; TOPMed 0.00139.
gnomAD v4.1: 330 of 1,603,892 alleles (0.021%); highest among the groups gnomAD compares: African/African-American, 0.36%; 1 homozygote.

Submissions (8):

CeGaT Center for Human Genetics Tuebingen
Classification: Likely benign. Last evaluated: 2026-06-01. Review status: criteria provided, single submitter. Criteria: CeGaT Center For Human Genetics Tuebingen Variant Classification Criteria Version 2. Collection method: clinical testing. Allele origin: germline. Affected: yes. Observed: 1 variant allele.
Comment: CREBBP: BP4, BP7, BS1

Labcorp Genetics (formerly Invitae), Labcorp
Classification: Benign for Rubinstein-Taybi syndrome. Last evaluated: 2026-01-05. Review status: criteria provided, single submitter. Criteria: Invitae Variant Classification Sherloc (09022015). Collection method: clinical testing. Allele origin: germline.

Mayo Clinic Laboratories, Mayo Clinic
Classification: Likely benign. Last evaluated: 2025-06-20. Review status: criteria provided, single submitter. Criteria: ACMG Guidelines, 2015. Collection method: clinical testing. Allele origin: germline. Observed: 1 variant allele.
Comment: BS1, BP4, BP7

Blueprint Genetics
Classification: Likely benign. Last evaluated: 2024-07-17. Review status: criteria provided, single submitter. Criteria: ACMG Guidelines, 2015. Collection method: clinical testing. Allele origin: germline.

GeneDx
Classification: Benign. Last evaluated: 2020-02-19. Review status: criteria provided, single submitter. Criteria: GeneDx Variant Classification Process June 2021. Collection method: clinical testing. Allele origin: germline. Affected: yes.

Ambry Genetics
Classification: Likely benign for Inborn genetic diseases. Last evaluated: 2017-01-13. Review status: criteria provided, single submitter. Criteria: Ambry Variant Classification Scheme 2023. Collection method: clinical testing. Allele origin: germline.

Breakthrough Genomics
Classification: Likely benign. Review status: criteria provided, single submitter. Criteria: ACMG Guidelines, 2015. Collection method: not provided. Allele origin: germline. Inheritance: Autosomal dominant inheritance. Affected: yes.

PreventionGenetics, part of Exact Sciences
Classification: Likely benign for CREBBP-related condition. Last evaluated: 2019-09-17. Review status: no assertion criteria provided. Collection method: clinical testing. Allele origin: germline. Not counted in ClinVar's aggregate classification.
Comment: This variant is classified as likely benign based on ACMG/AMP sequence variant interpretation guidelines (Richards et al. 2015 PMID: 25741868, with internal and published modifications).